The following is an entry in ClinVar:

NM_006885.4(ZFHX3):c.10558GGC[2] (p.Gly3522_Gly3527del)

Genes: ZFHX3 (zinc finger homeobox 3; minus strand), ZFHX3-AS1 (ZFHX3 antisense RNA 1; plus strand). Cytogenetic location: 16q22.2.
Variant type: Microsatellite.
Coding change: c.10558GGC[2] on transcript NM_006885.4 (MANE Select); two copies in a row of the 3-base unit GGC starting at c.10558; the reference has eight copies in a row; six copies, 18 bases deleted.
Protein change: p.Gly3522_Gly3527del.
Molecular consequence: inframe deletion.
Genome position (GRCh38, 1-based): chr16:72,787,695-72,787,712, GCCGCCGCCGCCGCCGCC deleted on the plus strand (GGCGGCGGCGGCGGCGGC on the coding strand, the reverse complement: ZFHX3 is on the minus strand); deleting any 18 consecutive bases within chr16:72,787,695-72,787,718 gives the same sequence; the position shown is the placement nearest the transcript's 3' end. VCF-style (leftmost placement, unchanged base first): chr16-72787694-AGCCGCCGCCGCCGCCGCC-A. GRCh37 (hg19) VCF-style: chr16-72821593-AGCCGCCGCCGCCGCCGCC-A.
Other names: c.7816GGC[2], p.Gly2608_Gly2613del (NM_001164766.2); c.10558GGC[2], p.Gly3522_Gly3527del (NM_001386735.1).
Identifiers: ClinVar variation 3388392 (VCV003388392.14).
Genomic context (GRCh38, chr16:72,787,694, plus strand): 5'-GATGTTGACTCAGAGCTTCCTCCCCACAGAGCGCGCTCTCGCACGCCAGGCAGTGGTACG[AGCCGCCGCCGCCGCCGCC>A]GCCGCCACCGCCGCCGCCGCCGCCACTGCCACCGCCGCCGCCGCCGGTGGGGACGTGAAG-3'

ClinVar aggregate classification (germline): Likely benign (1 of 4 stars; one submission).

Submission:

CeGaT Center for Human Genetics Tuebingen
Classification: Likely benign. Last evaluated: 2024-11-01. Review status: criteria provided, single submitter. Criteria: CeGaT Center For Human Genetics Tuebingen Variant Classification Criteria Version 2. Collection method: clinical testing. Allele origin: germline. Affected: yes. Observed: 1 variant allele.
Comment: ZFHX3: BS2